The following is an entry in ClinVar:

ClinVar aggregate classification (germline): Uncertain significance (1 of 4 stars; one submission).

Conditions:
Progressive myoclonic epilepsy type 3. Also called: KCTD7-Related Progressive Myoclonic Epilepsy; EPILEPSY, PROGRESSIVE MYOCLONIC, 3, WITH OR WITHOUT INTRACELLULAR INCLUSIONS; EPILEPSY, PROGRESSIVE MYOCLONIC, 3, WITHOUT INTRACELLULAR INCLUSIONS; CEROID LIPOFUSCINOSIS, NEURONAL, 14. Identifiers: Orphanet 263516, MedGen C2673257, MONDO:0012721, OMIM 611726.

Allele frequency attached by ClinVar (database versions not stated): gnomAD exomes 0.00001; ExAC 0.00002.
gnomAD v4.1: 16 of 1,614,140 alleles (0.00099%); highest among the groups gnomAD compares: Non-Finnish European, 0.0014%; no homozygotes.

Submission:

Labcorp Genetics (formerly Invitae), Labcorp
Classification: Uncertain significance for Progressive myoclonic epilepsy type 3. Last evaluated: 2022-02-08. Review status: criteria provided, single submitter. Criteria: Invitae Variant Classification Sherloc (09022015). Collection method: clinical testing. Allele origin: germline.
Comment: This sequence change replaces arginine, which is basic and polar, with tryptophan, which is neutral and slightly polar, at codon 214 of the KCTD7 protein (p.Arg214Trp). This variant is present in population databases (rs755711171, gnomAD 0.003%). This variant has not been reported in the literature in individuals affected with KCTD7-related conditions. ClinVar contains an entry for this variant (Variation ID: 859026). Algorithms developed to predict the effect of missense changes on protein structure and function (SIFT, PolyPhen-2, Align-GVGD) all suggest that this variant is likely to be disruptive. In summary, the available evidence is currently insufficient to determine the role of this variant in disease. Therefore, it has been classified as a Variant of Uncertain Significance.

NM_153033.5(KCTD7):c.640C>T (p.Arg214Trp)

Gene: KCTD7 (potassium channel tetramerization domain containing 7; plus strand). Cytogenetic location: 7q11.21.
Variant type: single nucleotide variant.
Coding change: c.640C>T on transcript NM_153033.5 (MANE Select); coding-DNA position 640, C replaced by T.
Protein change: p.Arg214Trp; replaces arginine 214 with tryptophan.
Molecular consequence: missense variant.
Genome position (GRCh38, 1-based): chr7:66,639,002, C>T. VCF-style: chr7-66639002-C-T. GRCh37 (hg19) VCF-style: chr7-66103989-C-T.
Other names: c.640C>T, p.Arg214Trp (NM_001167961.2); short protein forms R214W.
Identifiers: ClinVar variation 859026 (VCV000859026.9), dbSNP rs755711171, ClinGen allele CA4278313.